The following is an entry in ClinVar:

ClinVar aggregate classification (germline): Uncertain significance (1 of 4 stars; one submission).

Conditions:
Colorectal cancer, hereditary nonpolyposis, type 7. Identifiers: Orphanet 144, MedGen C1858380, MONDO:0013725, OMIM 614385.

Submission:

Labcorp Genetics (formerly Invitae), Labcorp
Classification: Uncertain significance for Colorectal cancer, hereditary nonpolyposis, type 7. Last evaluated: 2025-06-22. Review status: criteria provided, single submitter. Criteria: Invitae Variant Classification Sherloc (09022015). Collection method: clinical testing. Allele origin: germline.
Comment: This sequence change replaces leucine, which is neutral and non-polar, with valine, which is neutral and non-polar, at codon 1338 of the MLH3 protein (p.Leu1338Val). This variant is not present in population databases (gnomAD no frequency). This variant has not been reported in the literature in individuals affected with MLH3-related conditions. An algorithm developed to predict the effect of missense changes on protein structure and function (PolyPhen-2) suggests that this variant is likely to be disruptive. In summary, the available evidence is currently insufficient to determine the role of this variant in disease. Therefore, it has been classified as a Variant of Uncertain Significance.

NM_001040108.2(MLH3):c.4012C>G (p.Leu1338Val)

Gene: MLH3 (mutL homolog 3; minus strand). Cytogenetic location: 14q24.3.
Variant type: single nucleotide variant.
Coding change: c.4012C>G on transcript NM_001040108.2 (MANE Select); coding-DNA position 4012, C replaced by G.
Protein change: p.Leu1338Val; replaces leucine 1338 with valine.
Molecular consequence: missense variant.
Genome position (GRCh38, 1-based): chr14:75,022,892, G>C on the plus strand (C>G on the coding strand, the complement: MLH3 is on the minus strand). VCF-style: chr14-75022892-G-C. GRCh37 (hg19) VCF-style: chr14-75489595-G-C.
Other names: c.3940C>G, p.Leu1314Val (NM_014381.3); short protein forms L1314V, L1338V.
Identifiers: ClinVar variation 4721850 (VCV004721850.1).